The following is an entry in ClinVar:

NM_000285.4(PEPD):c.504-10C>T

Gene: PEPD (peptidase D; minus strand). Cytogenetic location: 19q13.11.
Variant type: single nucleotide variant.
Coding change: c.504-10C>T on transcript NM_000285.4 (MANE Select); 10 bases into the intron before coding-DNA position 504, C replaced by T.
Molecular consequence: intron variant.
Genome position (GRCh38, 1-based): chr19:33,478,100, G>A on the plus strand (C>T on the coding strand, the complement: PEPD is on the minus strand). VCF-style: chr19-33478100-G-A. GRCh37 (hg19) VCF-style: chr19-33969006-G-A.
Other names: c.312-10C>T (NM_001166057.2); c.504-10C>T (NM_001166056.2).
Identifiers: ClinVar variation 727023 (VCV000727023.10), dbSNP rs201605550, ClinGen allele CA9364277.

ClinVar aggregate classification (germline): Likely benign. Review status: criteria provided, multiple submitters, no conflicts (2 of 4 stars). 2 submissions from 2 submitters: Likely benign (2). Last evaluated 2025-11-21.

Conditions:
PEPD-related disorder. Also called: PEPD-related condition.

Allele frequency attached by ClinVar (database versions not stated): gnomAD exomes 0.00003 and 0.00007; gnomAD 0.00004 and 0.00005; TOPMed 0.00005; ESP Exome Variant Server 0.00008; ExAC 0.00011; 1000 Genomes Project 0.00020; 1000 Genomes Project 30x 0.00047.
gnomAD v4.1: 53 of 1,601,516 alleles (0.0033%); highest among the groups gnomAD compares: East Asian, 0.036%; 1 homozygote.

Submissions (2):

PreventionGenetics, part of Exact Sciences
Classification: Likely benign for PEPD-related condition. Last evaluated: 2025-11-21. Review status: criteria provided, single submitter. Criteria: ACMG Guidelines, 2015. Collection method: clinical testing. Allele origin: germline.
Comment: This variant is classified as likely benign based on ACMG/AMP sequence variant interpretation guidelines (Richards et al. 2015 PMID: 25741868, with internal and published modifications).

Labcorp Genetics (formerly Invitae), Labcorp
Classification: Likely benign. Last evaluated: 2025-08-15. Review status: criteria provided, single submitter. Criteria: Invitae Variant Classification Sherloc (09022015). Collection method: clinical testing. Allele origin: germline.